The following is an entry in ClinVar:

ClinVar aggregate classification (germline): Uncertain significance (1 of 4 stars; one submission).

Conditions:
CPE-related disorder. Also called: CPE-related condition.

gnomAD v4.1: 32 of 1,563,306 alleles (0.002%); highest among the groups gnomAD compares: Non-Finnish European, 0.0028%; no homozygotes.

Submission:

PreventionGenetics, part of Exact Sciences
Classification: Uncertain significance for CPE-related condition. Last evaluated: 2025-10-03. Review status: criteria provided, single submitter. Criteria: ACMG Guidelines, 2015. Collection method: clinical testing. Allele origin: germline.
Comment: The CPE c.506C>G variant is predicted to result in the amino acid substitution p.Pro169Arg. To our knowledge, this variant has not been reported in the literature or in a large population database (gnomAD), indicating this variant is rare. At this time, the clinical significance of this variant is uncertain due to the absence of conclusive functional and genetic evidence.

NM_001873.4(CPE):c.506C>G (p.Pro169Arg)

Gene: CPE (carboxypeptidase E; plus strand). Cytogenetic location: 4q32.3.
Variant type: single nucleotide variant.
Coding change: c.506C>G on transcript NM_001873.4 (MANE Select); coding-DNA position 506, C replaced by G.
Protein change: p.Pro169Arg; replaces proline 169 with arginine.
Molecular consequence: missense variant.
Genome position (GRCh38, 1-based): chr4:165,467,689, C>G. VCF-style: chr4-165467689-C-G. GRCh37 (hg19) VCF-style: chr4-166388841-C-G.
Other names: short protein forms P169R.
Identifiers: ClinVar variation 4980720 (VCV004980720.1).
Genomic context (GRCh38, chr4:165,467,689, plus strand): 5'-AGAAAGTGACATAATAATAAGCAACTAATGATTTTTCTCTTTGACTTTTTTTTTTTTAGC[C>G]TGGTGAACTCAAGGACTGGTTTGTGGGTCGAAGCAATGCCCAGGGAATAGATCTGAACCG-3'
Protein context (NP_001864.1, residues 159-179): PDGFEKAASQ[Pro169Arg]GELKDWFVGR